The following is an entry in ClinVar:

ClinVar aggregate classification (germline): Uncertain significance. Review status: criteria provided, multiple submitters, no conflicts (2 of 4 stars). 2 submissions from 2 submitters: Uncertain significance (2). Last evaluated 2024-12-02.

Conditions:
Cardiovascular phenotype. Identifiers: MedGen CN230736.
Hereditary cancer-predisposing syndrome. Also called: Hereditary Cancer Syndrome; Neoplastic Syndromes, Hereditary; Tumor predisposition; Hereditary neoplastic syndrome. Identifiers: Orphanet 140162, MedGen C0027672, MeSH D009386, MONDO:0015356.

Submissions (2):

Labcorp Genetics (formerly Invitae), Labcorp
Classification: Uncertain significance. Last evaluated: 2024-12-02. Review status: criteria provided, single submitter. Criteria: Invitae Variant Classification Sherloc (09022015). Collection method: clinical testing. Allele origin: germline.
Comment: This sequence change replaces leucine, which is neutral and non-polar, with tryptophan, which is neutral and slightly polar, at codon 171 of the LZTR1 protein (p.Leu171Trp). This variant is not present in population databases (gnomAD no frequency). This variant has not been reported in the literature in individuals affected with LZTR1-related conditions. ClinVar contains an entry for this variant (Variation ID: 1745545). An algorithm developed to predict the effect of missense changes on protein structure and function (PolyPhen-2) suggests that this variant is likely to be disruptive. In summary, the available evidence is currently insufficient to determine the role of this variant in disease. Therefore, it has been classified as a Variant of Uncertain Significance.

Ambry Genetics
Classification: Uncertain significance for Cardiovascular phenotype; Hereditary cancer-predisposing syndrome. Last evaluated: 2022-07-02. Review status: criteria provided, single submitter. Criteria: Ambry Variant Classification Scheme 2023. Collection method: clinical testing. Allele origin: germline.
Comment: The p.L171W variant (also known as c.512T>G), located in coding exon 6 of the LZTR1 gene, results from a T to G substitution at nucleotide position 512. The leucine at codon 171 is replaced by tryptophan, an amino acid with similar properties. This amino acid position is conserved. In addition, the in silico prediction for this alteration is inconclusive. Since supporting evidence is limited at this time, the clinical significance of this alteration remains unclear.

NM_006767.4(LZTR1):c.512T>G (p.Leu171Trp)

Gene: LZTR1 (leucine zipper like post translational regulator 1; plus strand). Cytogenetic location: 22q11.21.
Variant type: single nucleotide variant.
Coding change: c.512T>G on transcript NM_006767.4 (MANE Select); coding-DNA position 512, T replaced by G.
Protein change: p.Leu171Trp; replaces leucine 171 with tryptophan.
Molecular consequence: missense variant.
Genome position (GRCh38, 1-based): chr22:20,988,791, T>G. VCF-style: chr22-20988791-T-G. GRCh37 (hg19) VCF-style: chr22-21343080-T-G.
Other names: short protein forms L171W.
Identifiers: ClinVar variation 1745545 (VCV001745545.4), dbSNP rs868220792, ClinGen allele CA322324146.